The following is an entry in ClinVar:

ClinVar aggregate classification (germline): Uncertain significance (1 of 4 stars; one submission).

Conditions:
Myopathy, proximal, and ophthalmoplegia (CMYO6). Also called: MYOPATHY WITH CONGENITAL JOINT CONTRACTURES, OPHTHALMOPLEGIA, AND RIMMED VACUOLES; INCLUSION BODY MYOPATHY 3, AUTOSOMAL DOMINANT; CONGENITAL MYOPATHY 6 WITH OPHTHALMOPLEGIA. Identifiers: Orphanet 363677, Orphanet 79091, MedGen C1854106, MONDO:0011577, OMIM 605637.

Submission:

Labcorp Genetics (formerly Invitae), Labcorp
Classification: Uncertain significance for Myopathy, proximal, and ophthalmoplegia. Last evaluated: 2023-01-26. Review status: criteria provided, single submitter. Criteria: Invitae Variant Classification Sherloc (09022015). Collection method: clinical testing. Allele origin: germline.
Comment: In summary, the available evidence is currently insufficient to determine the role of this variant in disease. Therefore, it has been classified as a Variant of Uncertain Significance. Advanced modeling of protein sequence and biophysical properties (such as structural, functional, and spatial information, amino acid conservation, physicochemical variation, residue mobility, and thermodynamic stability) performed at Invitae indicates that this missense variant is not expected to disrupt MYH2 protein function. This variant has not been reported in the literature in individuals affected with MYH2-related conditions. This variant is present in population databases (no rsID available, gnomAD 0.0009%). This sequence change replaces threonine, which is neutral and polar, with isoleucine, which is neutral and non-polar, at codon 917 of the MYH2 protein (p.Thr917Ile).

NM_017534.6(MYH2):c.2750C>T (p.Thr917Ile)

Genes: MYH2 (myosin heavy chain 2; minus strand), MYHAS (myosin heavy chain gene cluster antisense RNA; plus strand). Cytogenetic location: 17p13.1.
Variant type: single nucleotide variant.
Coding change: c.2750C>T on transcript NM_017534.6 (MANE Select); coding-DNA position 2750, C replaced by T.
Protein change: p.Thr917Ile; replaces threonine 917 with isoleucine.
Molecular consequence: missense variant.
Genome position (GRCh38, 1-based): chr17:10,530,022, G>A on the plus strand (C>T on the coding strand, the complement: MYH2 is on the minus strand). VCF-style: chr17-10530022-G-A. GRCh37 (hg19) VCF-style: chr17-10433339-G-A.
Other names: c.2750C>T, p.Thr917Ile (NM_001100112.2); short protein forms T917I.
Identifiers: ClinVar variation 2824419 (VCV002824419.3), dbSNP rs1211805074, ClinGen allele CA398143045.